The following is an entry in ClinVar:

ClinVar aggregate classification (germline): Uncertain significance (1 of 4 stars; one submission).

Conditions:
Leukodystrophy. Identifiers: Orphanet 68356, MedGen C0023520, MONDO:0019046, HP:0002415.

Allele frequency attached by ClinVar (database versions not stated): gnomAD exomes below 0.00001.
gnomAD v4.1: 1 of 1,612,626 alleles (0.000062%); highest among the groups gnomAD compares: Non-Finnish European, 0.000085%; no homozygotes.

Submission:

Broad Center for Mendelian Genomics, Broad Institute of MIT and Harvard
Classification: Uncertain significance for Leukodystrophy. Last evaluated: 2024-01-24. Review status: criteria provided, single submitter. Criteria: ACMG Guidelines, 2015. Collection method: curation. Allele origin: germline. Inheritance: Autosomal recessive inheritance.
Comment: The p.Val809Leu variant in POLR3A has been reported in 1 individual with hypomyelinating leukodystrophy (PMID: 32342562), and has been identified in 0.008% (1/113724) of European (Non-Finnnish) chromosomes by the Genome Aggregation Database (gnomAD; dbSNP ID: rs1223926854). Although this variant has been seen in the general population in a heterozygous state, its frequency is low enough to be consistent with a recessive carrier frequency. Computational prediction tools and conservation analyses do not provide strong support for or against an impact to the protein. In summary, the clinical significance of the p.Val809Leu variant is uncertain. ACMG/AMP Criteria applied: PM2_supporting (Richards 2015).

NM_007055.4(POLR3A):c.2425G>C (p.Val809Leu)

Gene: POLR3A (RNA polymerase III subunit A; minus strand). Cytogenetic location: 10q22.3.
Variant type: single nucleotide variant.
Coding change: c.2425G>C on transcript NM_007055.4 (MANE Select); coding-DNA position 2425, G replaced by C.
Protein change: p.Val809Leu; replaces valine 809 with leucine.
Molecular consequence: missense variant.
Genome position (GRCh38, 1-based): chr10:78,001,029, C>G on the plus strand (G>C on the coding strand, the complement: POLR3A is on the minus strand). VCF-style: chr10-78001029-C-G. GRCh37 (hg19) VCF-style: chr10-79760787-C-G.
Other names: NM_007055.4:c.2425G>C; short protein forms V809L.
Identifiers: ClinVar variation 2687892 (VCV002687892.1), dbSNP rs1223926854, ClinGen allele CA377336359.